The following is an entry in ClinVar:

ClinVar aggregate classification (germline): Uncertain significance. Review status: criteria provided, multiple submitters, no conflicts (2 of 4 stars). 4 submissions from 4 submitters: Uncertain significance (4). Last evaluated 2024-11-26.

Conditions:
Inborn genetic diseases. Identifiers: MedGen C0950123, MeSH D030342.
MECOM-related disorder. Also called: MECOM-related condition.
Radioulnar synostosis with amegakaryocytic thrombocytopenia 2 (RUSAT2). Also called: RADIOULNAR SYNOSTOSIS AND AMEGAKARYOCYTIC THROMBOCYTOPENIA 2. Identifiers: Orphanet 71289, MedGen C4225221, MONDO:0014758, OMIM 616738.

Allele frequency attached by ClinVar (database versions not stated): ExAC 0.00002; ESP Exome Variant Server 0.00023.
gnomAD v4.1: 38 of 1,614,060 alleles (0.0024%); highest among the groups gnomAD compares: East Asian, 0.0067%; no homozygotes.

Submissions (4):

Ambry Genetics
Classification: Uncertain significance for Inborn genetic diseases. Last evaluated: 2024-11-26. Review status: criteria provided, single submitter. Criteria: Ambry Variant Classification Scheme 2023. Collection method: clinical testing. Allele origin: germline.
Comment: The p.T261M variant (also known as c.782C>T), located in coding exon 5 of the MECOM gene, results from a C to T substitution at nucleotide position 782. The threonine at codon 261 is replaced by methionine, an amino acid with similar properties. This amino acid position is conserved. In addition, this alteration is predicted to be tolerated by in silico analysis. Based on the available evidence, the clinical significance of this variant remains unclear.

PreventionGenetics, part of Exact Sciences
Classification: Uncertain significance for MECOM-related condition. Last evaluated: 2024-11-13. Review status: criteria provided, single submitter. Criteria: ACMG Guidelines, 2015. Collection method: clinical testing. Allele origin: germline.
Comment: The MECOM c.782C>T variant is predicted to result in the amino acid substitution p.Thr261Met. To our knowledge, this variant has not been reported in the literature. This variant is reported in 0.0050% of alleles in individuals of East Asian descent in gnomAD. At this time, the clinical significance of this variant is uncertain due to the absence of conclusive functional and genetic evidence.

Labcorp Genetics (formerly Invitae), Labcorp
Classification: Uncertain significance. Last evaluated: 2024-03-04. Review status: criteria provided, single submitter. Criteria: Invitae Variant Classification Sherloc (09022015). Collection method: clinical testing. Allele origin: germline.
Comment: This sequence change replaces threonine, which is neutral and polar, with methionine, which is neutral and non-polar, at codon 73 of the MECOM protein (p.Thr73Met). This variant is present in population databases (rs146635720, gnomAD 0.004%). This variant has not been reported in the literature in individuals affected with MECOM-related conditions. An algorithm developed to predict the effect of missense changes on protein structure and function (PolyPhen-2) suggests that this variant is likely to be tolerated. In summary, the available evidence is currently insufficient to determine the role of this variant in disease. Therefore, it has been classified as a Variant of Uncertain Significance.

Department of Pathology and Laboratory Medicine, Sinai Health System
Classification: Uncertain significance for Radioulnar synostosis with amegakaryocytic thrombocytopenia 2. Last evaluated: 2021-07-30. Review status: criteria provided, single submitter. Criteria: ACMG Guidelines, 2015. Collection method: research. Allele origin: germline.

NM_004991.4(MECOM):c.782C>T (p.Thr261Met)

Gene: MECOM (MDS1 and EVI1 complex locus; minus strand). Cytogenetic location: 3q26.2.
Variant type: single nucleotide variant.
Coding change: c.782C>T on transcript NM_004991.4 (MANE Select); coding-DNA position 782, C replaced by T.
Protein change: p.Thr261Met; replaces threonine 261 with methionine.
Molecular consequence: missense variant.
Genome position (GRCh38, 1-based): chr3:169,127,892, G>A on the plus strand (C>T on the coding strand, the complement: MECOM is on the minus strand). VCF-style: chr3-169127892-G-A. GRCh37 (hg19) VCF-style: chr3-168845680-G-A.
Other names: c.410C>T, p.Thr137Met (NM_001105077.4); c.218C>T, p.Thr73Met (NM_001105078.4, NM_001163999.2, NM_001164000.2 and 9 more transcripts); c.782C>T, p.Thr261Met (NM_001366466.2, NM_001366473.2); c.782C>T (NM_004991.3); short protein forms T137M, T261M, T73M.
Identifiers: ClinVar variation 2869374 (VCV002869374.6), dbSNP rs146635720, ClinGen allele CA2696475.
Genomic context (GRCh38, chr3:169,127,892, plus strand): 5'-GCCATTTCTAACCTTTGCAAATCAGGAAAAACTTGGTCACATTCCTTACACTCCTGGATC[G>A]TGTGTATCTCTTGGAGATCATTCTCGCTTTCGAGTTTTTGCTGAAAGTCCTCTTCAACCA-3'
Protein context (NP_004982.2, residues 251-271): ESENDLQEIH[Thr261Met]IQECKECDQV